The following is an entry in ClinVar:

ClinVar aggregate classification (germline): Benign/Likely benign. Review status: criteria provided, multiple submitters, no conflicts (2 of 4 stars). 3 submissions from 3 submitters: Benign (1); Likely benign (2). Last evaluated 2025-06-30.

Conditions:
Hereditary cancer-predisposing syndrome. Also called: Neoplastic Syndromes, Hereditary; Hereditary neoplastic syndrome; Tumor predisposition; Hereditary Cancer Syndrome. Identifiers: Orphanet 140162, MedGen C0027672, MeSH D009386, MONDO:0015356.
Fanconi anemia complementation group J. Also called: BRIP1-Related Fanconi Anemia. Identifiers: Orphanet 84, MedGen C1836860, MONDO:0012187, OMIM 609054.
Familial cancer of breast. Also called: BREAST CANCER, FAMILIAL; hereditary breast carcinoma; Hereditary breast cancer. Identifiers: Orphanet 227535, MedGen C0346153, MONDO:0016419, OMIM 114480. Disease mechanism: loss of function.

Submissions (3):

Labcorp Genetics (formerly Invitae), Labcorp
Classification: Likely benign for Familial cancer of breast; Fanconi anemia complementation group J. Last evaluated: 2025-06-30. Review status: criteria provided, single submitter. Criteria: Invitae Variant Classification Sherloc (09022015). Collection method: clinical testing. Allele origin: germline.

Myriad Genetics, Inc.
Classification: Benign for Familial cancer of breast. Last evaluated: 2024-08-09. Review status: criteria provided, single submitter. Criteria: Myriad Autosomal Dominant, Autosomal Recessive and X-Linked Classification Criteria (2023). Collection method: clinical testing. Allele origin: unknown.
Comment: This variant is considered benign. This variant is a silent/synonymous amino acid change and it is not expected to impact splicing.

Ambry Genetics
Classification: Likely benign for Hereditary cancer-predisposing syndrome. Last evaluated: 2024-05-18. Review status: criteria provided, single submitter. Criteria: Ambry Variant Classification Scheme 2023. Collection method: clinical testing. Allele origin: germline.

NM_032043.3(BRIP1):c.216A>G (p.Ala72=)

Gene: BRIP1 (BRCA1 interacting DNA helicase 1; minus strand). Cytogenetic location: 17q23.2.
Variant type: single nucleotide variant.
Coding change: c.216A>G on transcript NM_032043.3 (MANE Select); coding-DNA position 216, A replaced by G.
Protein change: p.Ala72=; no amino-acid change (alanine 72 retained).
Molecular consequence: synonymous variant.
Genome position (GRCh38, 1-based): chr17:61,857,221, T>C on the plus strand (A>G on the coding strand, the complement: BRIP1 is on the minus strand). VCF-style: chr17-61857221-T-C. GRCh37 (hg19) VCF-style: chr17-59934582-T-C.
Identifiers: ClinVar variation 3261821 (VCV003261821.4).